The following is an entry in ClinVar:

ClinVar aggregate classification (germline): Pathogenic (1 of 4 stars; one submission).

Conditions:
Sulfite oxidase deficiency. Also called: Isolated sulfite oxidase deficiency. Identifiers: Orphanet 833, Orphanet 99731, MedGen C0268624, MONDO:0010089, OMIM 272300, HP:0003643.

Submission:

Labcorp Genetics (formerly Invitae), Labcorp
Classification: Pathogenic for Sulfite oxidase deficiency. Last evaluated: 2023-01-06. Review status: criteria provided, single submitter. Criteria: Invitae Variant Classification Sherloc (09022015). Collection method: clinical testing. Allele origin: germline.
Comment: For these reasons, this variant has been classified as Pathogenic. This variant disrupts a region of the SUOX protein in which other variant(s) (p.Arg529*) have been determined to be pathogenic (PMID: 17940249, 28980090). This suggests that this is a clinically significant region of the protein, and that variants that disrupt it are likely to be disease-causing. This variant has not been reported in the literature in individuals affected with SUOX-related conditions. This variant is not present in population databases (gnomAD no frequency). This sequence change creates a premature translational stop signal (p.Asp461Glyfs*14) in the SUOX gene. While this is not anticipated to result in nonsense mediated decay, it is expected to disrupt the last 85 amino acid(s) of the SUOX protein.

Literature cited by the submitters: PubMed 17940249; PubMed 28980090.

NM_001032386.2(SUOX):c.1379dup (p.Asp461fs)

Gene: SUOX (sulfite oxidase; plus strand). Cytogenetic location: 12q13.2.
Variant type: Duplication.
Coding change: c.1379dup on transcript NM_001032386.2 (MANE Select); coding-DNA position 1379, one base duplicated (T; older notation c.1379dupT).
Protein change: p.Asp461fs; shifts the reading frame from aspartic acid 461.
Molecular consequence: frameshift variant.
Genome position (GRCh38, 1-based): chr12:56,004,768, T duplicated. VCF-style (leftmost placement, unchanged base first): chr12-56004767-G-GT. GRCh37 (hg19) VCF-style: chr12-56398551-G-GT.
Other names: c.1379dup, p.Asp461fs (NM_000456.3, NM_001032387.2); short protein forms D461fs.
Identifiers: ClinVar variation 2826517 (VCV002826517.3), dbSNP rs2540577777, ClinGen allele CA2739272083.
Genomic context (GRCh38, chr12:56,004,767, plus strand): 5'-TCAGGGGAGGTGACCATCAAGGGCTATGCATGGAGTGGTGGTGGCAGGGCTGTGATCCGG[G>GT]TGGATGTGTCTCTGGATGGGGGCCTAACCTGGCAGGTGGCTAAGCTGGATGGAGAGGAAC-3'